The following is an entry in ClinVar:

NM_006883.2(SHOX):c.-512C>A

Gene: SHOX (SHOX homeobox; plus strand). Cytogenetic location: Xp22.33.
Variant type: single nucleotide variant.
Coding change: c.-512C>A on transcript NM_006883.2; 512 bases upstream of the start codon, C replaced by A.
Molecular consequence: 5 prime UTR variant.
Genome position (GRCh38, 1-based): chrX:624,523, C>A. VCF-style: chrX-624523-C-A. GRCh37 (hg19) VCF-style: chrX-585258-C-A.
Identifiers: ClinVar variation 191362 (VCV000191362.12), dbSNP rs113313554, ClinGen allele CA213116.

ClinVar aggregate classification (germline): Benign. Review status: criteria provided, single submitter (1 of 4 stars). 6 submissions from 6 submitters: Benign (1). 5 of the submissions do not count toward it. Last evaluated 2023-01-20.

Conditions:
SHOX-related disorder. Also called: SHOX-related condition.
SHOX-related short stature. Also called: SHORT STATURE, IDIOPATHIC, X-LINKED. Identifiers: Orphanet 314795, MedGen C1845118, MONDO:0010367, OMIM 300582. Disease mechanism: loss of function.
Langer mesomelic dysplasia syndrome (LMD). Also called: Langer mesomelic dysplasia; DYSCHONDROSTEOSIS, HOMOZYGOUS. Identifiers: Orphanet 2632, MedGen C0432230, MONDO:0009588, OMIM 249700.
Leri-Weill dyschondrosteosis (LWD). Also called: Léri-Weill dyschondrosteosis; DYSCHONDROSTEOSIS; Leri-Weill Dyschondrosteosis (LWD). Identifiers: Orphanet 240, MedGen C0265309, MONDO:0007481, OMIM 127300.

Allele frequency attached by ClinVar (database versions not stated): 1000 Genomes Project 0.01987; 1000 Genomes Project 30x 0.02102; gnomAD exomes 0.02703; TOPMed 0.02982.
gnomAD v4.1: 4,386 of 152,102 alleles (2.9%); highest among the groups gnomAD compares: Middle Eastern, 16%; 74 homozygotes.

Submissions (6):

Department of Pathology and Laboratory Medicine, Sinai Health System
Classification: Benign for Langer mesomelic dysplasia syndrome; Leri-Weill dyschondrosteosis; SHOX-related short stature. Last evaluated: 2023-01-20. Review status: criteria provided, single submitter. Criteria: ACMG Guidelines, 2015. Collection method: research. Allele origin: germline.

PreventionGenetics, part of Exact Sciences
Classification: Benign for SHOX-related condition. Last evaluated: 2022-05-19. Review status: no assertion criteria provided. Collection method: clinical testing. Allele origin: germline. Not counted in ClinVar's aggregate classification.
Comment: This variant is classified as benign based on ACMG/AMP sequence variant interpretation guidelines (Richards et al. 2015 PMID: 25741868, with internal and published modifications).

Reproductive Health Research and Development, BGI Genomics
Classification: Benign for Short stature, idiopathic, X-linked. Last evaluated: 2020-01-06. Review status: no assertion criteria provided. Collection method: curation. Allele origin: germline. Not counted in ClinVar's aggregate classification.
Comment: NM_000451.3:c.-512C>A in SHOX gene has an allele frequency of 0.042 in African subpopulation in the gnomAD database, including 15 homozygous occurrences. Taken together, we interprete this variant as Benign/Likely benign variant. ACMG/AMP criteria applied: BS1, BS2.

Genetics Research Lab, Taif University
Classification: Pathogenic for Short stature, idiopathic, X-linked. Review status: no assertion criteria provided. Collection method: not provided. Allele origin: unknown. Not counted in ClinVar's aggregate classification.
Comment: subsitution mutation in non-coding exon-1 of SHOX gene in Idiopathic short stature children patients in taif governorate, Saudi Arabia
ClinVar note: Converted during submission from pathogenic to Pathogenic.

Genome Diagnostics Laboratory, University Medical Center Utrecht
Classification: Likely benign. Review status: no assertion criteria provided. Collection method: clinical testing. Allele origin: germline. Affected: yes. Study: VKGL Data-share Consensus. Not counted in ClinVar's aggregate classification.

Joint Genome Diagnostic Labs from Nijmegen and Maastricht, Radboudumc and MUMC+
Classification: Benign. Review status: no assertion criteria provided. Collection method: clinical testing. Allele origin: germline. Affected: yes. Study: VKGL Data-share Consensus. Not counted in ClinVar's aggregate classification.